The following is an entry in ClinVar:

ClinVar aggregate classification (germline): Pathogenic. Review status: criteria provided, multiple submitters, no conflicts (2 of 4 stars). 3 submissions from 3 submitters: Pathogenic (2). 1 of the submissions does not count toward it. Last evaluated 2018-04-16.

Conditions:
Congenital NAD deficiency disorder. Identifiers: MedGen CN241975.
Vertebral, cardiac, renal, and limb defects syndrome 1. Also called: 3-HYDROXYANTHRANILIC ACIDEMIA; CONGENITAL NAD DEFICIENCY DISORDER 1. Identifiers: MedGen C4540004, MONDO:0060554, OMIM 617660.

Allele frequency attached by ClinVar (database versions not stated): gnomAD exomes 0.00002 and 0.00001; ExAC 0.00003; gnomAD 0.00001; TOPMed below 0.00001.

Submissions (3):

SIB Swiss Institute of Bioinformatics
Classification: Pathogenic for Vertebral, cardiac, renal, and limb defects syndrome 1. Last evaluated: 2018-04-16. Review status: criteria provided, single submitter. Criteria: ACMG Guidelines, 2015. Collection method: curation. Allele origin: germline.
Comment: This variant is interpreted as a Pathogenic, for Vertebral, cardiac, renal, and limb defects syndrome 1, Autosomal Recessive inheritance. The following ACMG Tag(s) were applied: PM2 => Absent from controls (or at extremely low frequency if recessive) in Exome Sequencing Project, 1000 Genomes Project, or Exome Aggregation Consortium. PVS1-Strong => PVS1 downgraded in strength to Strong. PS3 => Well-established functional studies show a deleterious effect (PMID:28792876).

Embryology Laboratory, Victor Chang Cardiac Research Institute
Classification: Pathogenic for Congenital NAD deficiency disorder. Last evaluated: 2016-12-23. Review status: criteria provided, single submitter. Criteria: ACMG Guidelines, 2015. Collection method: research. Allele origin: germline. Inheritance: Autosomal recessive inheritance. Affected: yes. Observed: 1 variant allele, 1 homozygote. Functional consequence: loss_of_function_variant, effect on catalytic protein function.
Comment: This variant was discovered in a consanguineous family of Middle East origin. This variant is a protein truncating variant and extremely rare (ExAC MAF 0.00003005). Enzyme assay confirmed that the protein product of this gene variant has lost enzyme activity. Mouse embryos homozygous null for Haao presented similar phenotype as observed in the patient, and also showed reduced concentration of NAD in the embryonic tissue.

OMIM
Classification: Pathogenic for VERTEBRAL, CARDIAC, RENAL, AND LIMB DEFECTS SYNDROME 1. Last evaluated: 2017-09-21. Review status: no assertion criteria provided. Collection method: literature only. Allele origin: germline. Not counted in ClinVar's aggregate classification.

Literature cited by the submitters: PubMed 28792876 (cited by 3 submitters).

NM_012205.3(HAAO):c.483dup (p.Asp162Ter)

Gene: HAAO (3-hydroxyanthranilate 3,4-dioxygenase; minus strand). Cytogenetic location: 2p21.
Variant type: Duplication.
Coding change: c.483dup on transcript NM_012205.3 (MANE Select); coding-DNA position 483, one base duplicated (T; older notation c.483dupT).
Protein change: p.Asp162Ter; replaces aspartic acid 162 with a stop codon.
Molecular consequence: nonsense.
Genome position (GRCh38, 1-based): chr2:42,770,144, A duplicated on the plus strand (T on the coding strand, the reverse complement: HAAO is on the minus strand). VCF-style (leftmost placement, unchanged base first): chr2-42770143-C-CA. GRCh37 (hg19) VCF-style: chr2-42997283-C-CA.
Other names: short protein forms D162*.
Identifiers: ClinVar variation 403727 (VCV000403727.4), dbSNP rs527656756, ClinGen allele CA1630997.
Genomic context (GRCh38, chr2:42,770,143, plus strand): 5'-ACCCATCCTATTTTGGAAGGGGAGGGAGGGAAGGAGAAGGGCAGTTCCCAGCGGCCTCAC[C>CA]AGGGATGGGCTTTCCTGTTCTGTACTGCTCAGAGCTGAAGAACCTGCAAGGACGAACAGG-3'